The following is an entry in ClinVar:

ClinVar aggregate classification (germline): Uncertain significance (1 of 4 stars; one submission).

Conditions:
Amyotrophic lateral sclerosis (ALS). Also called: Lou Gehrig disease; Charcot disease. Identifiers: Orphanet 803, MedGen C0002736, MONDO:0004976, HP:0007354.

Submission:

Department of Neurology, Brain Research Institute, Niigata University
Classification: Uncertain significance for Amyotrophic lateral sclerosis. Last evaluated: 2026-09-21. Review status: criteria provided, single submitter. Criteria: ACMG Guidelines, 2015. Collection method: research. Allele origin: unknown. Affected: yes.
Comment: Absent from controls in population database (ExAC and gnomAD) (PM2_Supporting). REVEL score of this variant is 0.876(PP3_Moderate).

NM_003315.4(DNAJC7):c.343G>C (p.Ala115Pro)

Gene: DNAJC7 (DnaJ heat shock protein family (Hsp40) member C7; minus strand). Cytogenetic location: 17q21.2.
Variant type: single nucleotide variant.
Coding change: c.343G>C on transcript NM_003315.4 (MANE Select); coding-DNA position 343, G replaced by C.
Protein change: p.Ala115Pro; replaces alanine 115 with proline.
Molecular consequence: missense variant. On other transcripts: non-coding transcript variant (1).
Genome position (GRCh38, 1-based): chr17:41,996,373, C>G on the plus strand (G>C on the coding strand, the complement: DNAJC7 is on the minus strand). VCF-style: chr17-41996373-C-G. GRCh37 (hg19) VCF-style: chr17-40148391-C-G.
Other names: c.175G>C, p.Ala59Pro (NM_001144766.3); short protein forms A115P, A59P.
Identifiers: ClinVar variation 4820027 (VCV004820027.2).
Genomic context (GRCh38, chr17:41,996,373, plus strand): 5'-CTTGTTGTGCCTGAGCATTTTTATGATCCAGTTCTAGGGCTCTCTGGAAGCTGCGACATG[C>G]TGCCATGGCATTCCCCAGAGAGAGGTGGCACTTGCCCTCTCGTAGATGTCCCTAAAAGAA-3'
Protein context (NP_003306.3, residues 105-125): CHLSLGNAMA[Ala115Pro]CRSFQRALEL